The following is an entry in ClinVar:

ClinVar aggregate classification (germline): Conflicting classifications of pathogenicity. Review status: criteria provided, conflicting classifications (1 of 4 stars). 10 submissions from 10 submitters: Uncertain significance (1); Benign (3); Likely benign (4). 2 of the submissions do not count toward it. Last evaluated 2026-01-28.

Conditions:
SACS-related disorder. Also called: SACS-related condition.
Charlevoix-Saguenay spastic ataxia (SACS). Also called: AUTOSOMAL RECESSIVE SPASTIC ATAXIA OF CHARLEVOIX-SAGUENAY; Spastic ataxia of Charlevoix-Saguenay; SPASTIC ATAXIA 6, AUTOSOMAL RECESSIVE. Identifiers: Orphanet 98, MedGen C1849140, MONDO:0010041, OMIM 270550.
Spastic paraplegia. Identifiers: MedGen C0037772, HP:0001258.
Hereditary spastic paraplegia. Also called: Familial spastic paraparesis. Identifiers: Orphanet 685, MedGen C0037773, MONDO:0019064. Disease mechanism: loss of function.

Allele frequency attached by ClinVar (database versions not stated): gnomAD exomes 0.00051 and 0.00126; ExAC 0.00153; gnomAD 0.00488 and 0.00513; TOPMed 0.00563; ESP Exome Variant Server 0.00615; 1000 Genomes Project 0.00839; 1000 Genomes Project 30x 0.00843.
gnomAD v4.1: 1,564 of 1,614,222 alleles (0.097%); highest among the groups gnomAD compares: African/African-American, 1.8%; 16 homozygotes.

Submissions (10):

Labcorp Genetics (formerly Invitae), Labcorp
Classification: Benign for Spastic paraplegia. Last evaluated: 2026-01-28. Review status: criteria provided, single submitter. Criteria: Invitae Variant Classification Sherloc (09022015). Collection method: clinical testing. Allele origin: germline.

Athena Diagnostics
Classification: Benign. Last evaluated: 2025-09-08. Review status: criteria provided, single submitter. Criteria: Athena Diagnostics Criteria. Collection method: clinical testing. Allele origin: unknown.
Comment: The frequency of this variant in the general population is higher than would generally be expected for pathogenic variants in this gene.

Blueprint Genetics
Classification: Likely benign. Last evaluated: 2024-11-14. Review status: criteria provided, single submitter. Criteria: ACMG Guidelines, 2015. Collection method: clinical testing. Allele origin: germline.

Mayo Clinic Laboratories, Mayo Clinic
Classification: Benign. Last evaluated: 2023-11-22. Review status: criteria provided, single submitter. Criteria: ACMG Guidelines, 2015. Collection method: clinical testing. Allele origin: germline. Observed: 9 variant alleles.
Comment: BS1, BS2, BP4, BP7

Genome Diagnostics Laboratory, The Hospital for Sick Children
Classification: Likely benign for Hereditary spastic paraplegia. Last evaluated: 2022-01-28. Review status: criteria provided, single submitter. Criteria: ACMG Guidelines, 2015. Collection method: clinical testing. Allele origin: germline. Affected: yes.

Genome-Nilou Lab
Classification: Likely benign for Charlevoix-Saguenay spastic ataxia. Last evaluated: 2021-09-05. Review status: criteria provided, single submitter. Criteria: ACMG Guidelines, 2015. Collection method: clinical testing. Allele origin: germline. Affected: no.

GeneDx
Classification: Likely benign. Last evaluated: 2020-06-08. Review status: criteria provided, single submitter. Criteria: GeneDx Variant Classification Process June 2021. Collection method: clinical testing. Allele origin: germline. Affected: yes.

Illumina Laboratory Services, Illumina
Classification: Uncertain significance for Charlevoix-Saguenay spastic ataxia. Last evaluated: 2018-01-12. Review status: criteria provided, single submitter. Criteria: ICSL Variant Classification Criteria 13 December 2019. Collection method: clinical testing. Allele origin: germline.

Natera, Inc.
Classification: Likely benign for Charlevoix-Saguenay type spastic ataxia. Last evaluated: 2020-05-02. Review status: no assertion criteria provided. Collection method: clinical testing. Allele origin: germline. Not counted in ClinVar's aggregate classification.

PreventionGenetics, part of Exact Sciences
Classification: Benign for SACS-related condition. Last evaluated: 2019-03-18. Review status: no assertion criteria provided. Collection method: clinical testing. Allele origin: germline. Not counted in ClinVar's aggregate classification.
Comment: This variant is classified as benign based on ACMG/AMP sequence variant interpretation guidelines (Richards et al. 2015 PMID: 25741868, with internal and published modifications).

NM_014363.6(SACS):c.1593C>T (p.Ile531=)

Gene: SACS (sacsin molecular chaperone; minus strand). Cytogenetic location: 13q12.12.
Variant type: single nucleotide variant.
Coding change: c.1593C>T on transcript NM_014363.6 (MANE Select); coding-DNA position 1593, C replaced by T.
Protein change: p.Ile531=; no amino-acid change (isoleucine 531 retained).
Molecular consequence: synonymous variant.
Genome position (GRCh38, 1-based): chr13:23,355,019, G>A on the plus strand (C>T on the coding strand, the complement: SACS is on the minus strand). VCF-style: chr13-23355019-G-A. GRCh37 (hg19) VCF-style: chr13-23929158-G-A.
Other names: p.Ile531=; c.1152C>T, p.Ile384= (NM_001278055.2).
Identifiers: ClinVar variation 695415 (VCV000695415.27), dbSNP rs113756713, ClinGen allele CA6911889.
Genomic context (GRCh38, chr13:23,355,019, plus strand): 5'-AGGCTCTAACACCGGTTGCCAGTGCACCTTGACTTTGCTCGCCTCCGGCCAAAGCTTATA[G>A]ATAACATCAACTGACAAGGGGAAATCAGAGCTCTTTTCCATCTCCAGACGTTTTATTGAA-3'
Protein context (NP_055178.3, residues 521-541): SSDFPLSVDV[Ile531=]YKLWPEASKV